The following is an entry in ClinVar:

ClinVar aggregate classification (germline): Benign/Likely benign. Review status: criteria provided, multiple submitters, no conflicts (2 of 4 stars). 5 submissions from 5 submitters: Benign (1); Likely benign (4). Last evaluated 2025-11-21.

Conditions:
BAP1-related tumor predisposition syndrome (TPDS1). Also called: Tumor susceptibility linked to germline BAP1 mutations; BAP1 tumor predisposition syndrome; TUMOR PREDISPOSITION SYNDROME 1; COMMON Syndrome. Identifiers: Orphanet 289539, MedGen C3280492, MONDO:0013692, OMIM 614327.
Hereditary cancer-predisposing syndrome. Also called: Neoplastic Syndromes, Hereditary; Tumor predisposition; Hereditary neoplastic syndrome; Hereditary Cancer Syndrome. Identifiers: Orphanet 140162, MedGen C0027672, MeSH D009386, MONDO:0015356.

Submissions (5):

Labcorp Genetics (formerly Invitae), Labcorp
Classification: Likely benign for BAP1-related tumor predisposition syndrome. Last evaluated: 2025-11-21. Review status: criteria provided, single submitter. Criteria: Invitae Variant Classification Sherloc (09022015). Collection method: clinical testing. Allele origin: germline.

Center for Genomic Medicine, Rigshospitalet, Copenhagen University Hospital
Classification: Likely benign. Last evaluated: 2025-03-04. Review status: criteria provided, single submitter. Criteria: ACMG Guidelines, 2015. Collection method: clinical testing. Allele origin: germline.

Myriad Genetics, Inc.
Classification: Benign for BAP1-related tumor predisposition syndrome. Last evaluated: 2024-07-15. Review status: criteria provided, single submitter. Criteria: Myriad Autosomal Dominant, Autosomal Recessive and X-Linked Classification Criteria (2023). Collection method: clinical testing. Allele origin: unknown.
Comment: This variant is considered benign. This variant is a silent/synonymous amino acid change and it is not expected to impact splicing.

Ambry Genetics
Classification: Likely benign for Hereditary cancer-predisposing syndrome. Last evaluated: 2021-02-17. Review status: criteria provided, single submitter. Criteria: Ambry Variant Classification Scheme 2023. Collection method: clinical testing. Allele origin: germline.

Color Diagnostics, LLC DBA Color Health
Classification: Likely benign for Hereditary cancer-predisposing syndrome. Last evaluated: 2018-02-06. Review status: criteria provided, single submitter. Criteria: ACMG Guidelines, 2015. Collection method: clinical testing. Allele origin: germline.

NM_004656.4(BAP1):c.882G>A (p.Leu294=)

Gene: BAP1 (BRCA1 associated deubiquitinase 1; minus strand). Cytogenetic location: 3p21.1.
Variant type: single nucleotide variant.
Coding change: c.882G>A on transcript NM_004656.4 (MANE Select); coding-DNA position 882, G replaced by A.
Protein change: p.Leu294=; no amino-acid change (leucine 294 retained).
Molecular consequence: synonymous variant.
Genome position (GRCh38, 1-based): chr3:52,405,814, C>T on the plus strand (G>A on the coding strand, the complement: BAP1 is on the minus strand). VCF-style: chr3-52405814-C-T. GRCh37 (hg19) VCF-style: chr3-52439830-C-T.
Identifiers: ClinVar variation 629905 (VCV000629905.18), dbSNP rs768447095, ClinGen allele CA74743008.
Genomic context (GRCh38, chr3:52,405,814, plus strand): 5'-CCCCCCAGTACCTGTGTGGTTGCCCTCAGAGGCTGCAGGGGCCCTGTTTGCTTCCAGCAC[C>T]AGCGGGGACTTGTTGCTGGCTGACTTGGACTCCTCAGGCAGCTGTGACTCTTGAGACTTG-3'
Protein context (NP_004647.1, residues 284-304): ESKSASNKSP[Leu294=]VLEANRAPAA